The following is an entry in ClinVar:

ClinVar aggregate classification (germline): Uncertain significance (1 of 4 stars; one submission).

Submission:

Labcorp Genetics (formerly Invitae), Labcorp
Classification: Uncertain significance. Last evaluated: 2021-09-17. Review status: criteria provided, single submitter. Criteria: Invitae Variant Classification Sherloc (09022015). Collection method: clinical testing. Allele origin: germline.
Comment: This variant, c.1735_1737del, results in the deletion of 1 amino acid(s) of the SLC4A11 protein (p.Leu579del), but otherwise preserves the integrity of the reading frame. The frequency data for this variant in the population databases is considered unreliable, as metrics indicate poor data quality at this position in the ExAC database. This variant has not been reported in the literature in individuals affected with SLC4A11-related conditions. In summary, the available evidence is currently insufficient to determine the role of this variant in disease. Therefore, it has been classified as a Variant of Uncertain Significance.

NM_001174089.2(SLC4A11):c.1684CTC[1] (p.Leu563del)

Gene: SLC4A11 (solute carrier family 4 member 11; minus strand). Cytogenetic location: 20p13.
Variant type: Microsatellite.
Coding change: c.1684CTC[1] on transcript NM_001174089.2 (MANE Select); one copy of the 3-base unit CTC starting at c.1684; the reference has two copies in a row; one copy, 3 bases deleted.
Protein change: p.Leu563del; deletes leucine 563.
Molecular consequence: inframe deletion. On other transcripts: non-coding transcript variant (1).
Genome position (GRCh38, 1-based): chr20:3,229,577-3,229,579, GAG deleted on the plus strand (CTC on the coding strand, the reverse complement: SLC4A11 is on the minus strand); deleting any 3 consecutive bases within chr20:3,229,577-3,229,583 gives the same sequence; the position shown is the placement nearest the transcript's 3' end. VCF-style (leftmost placement, unchanged base first): chr20-3229576-TGAG-T. GRCh37 (hg19) VCF-style: chr20-3210222-TGAG-T.
Other names: c.1813CTC[1], p.Leu606del (NM_001174090.2); c.1570CTC[1], p.Leu525del (NM_001363745.2); c.1732CTC[1], p.Leu579del (NM_032034.4); short protein forms L525del, L606del, L579del, L563del.
Identifiers: ClinVar variation 1471393 (VCV001471393.5), dbSNP rs749776866, ClinGen allele CA9741757.